The following is an entry in ClinVar:

NM_000038.6(APC):c.5998A>C (p.Ser2000Arg)

Gene: APC (APC regulator of Wnt signaling pathway; plus strand). Cytogenetic location: 5q22.2.
Variant type: single nucleotide variant.
Coding change: c.5998A>C on transcript NM_000038.6 (MANE Select); coding-DNA position 5998, A replaced by C.
Protein change: p.Ser2000Arg; replaces serine 2000 with arginine.
Molecular consequence: missense variant.
Genome position (GRCh38, 1-based): chr5:112,841,592, A>C. VCF-style: chr5-112841592-A-C. GRCh37 (hg19) VCF-style: chr5-112177289-A-C.
Other names: c.5998A>C, p.Ser2000Arg (NM_001127510.3, NM_001354895.2); c.5944A>C, p.Ser1982Arg (NM_001127511.3); c.6052A>C, p.Ser2018Arg (NM_001354896.2); c.6028A>C, p.Ser2010Arg (NM_001354897.2); c.5923A>C, p.Ser1975Arg (NM_001354898.2); c.5914A>C, p.Ser1972Arg (NM_001354899.2); c.5875A>C, p.Ser1959Arg (NM_001354900.2); c.5821A>C, p.Ser1941Arg (NM_001354901.2); and 5 more; short protein forms S1982R, S2000R, S1909R, S1972R, S2010R, S1717R, S1840R, S1941R.
Identifiers: ClinVar variation 470030 (VCV000470030.13), dbSNP rs587782271, ClinGen allele CA043663.
Genomic context (GRCh38, chr5:112,841,592, plus strand): 5'-AACAATAAAGAAAATGAACCTATCAAAGAGACTGAGCCCCCTGACTCACAGGGAGAACCA[A>C]GTAAACCTCAAGCATCAGGCTATGCTCCTAAATCATTTCATGTTGAAGATACCCCAGTTT-3'
Protein context (NP_000029.2, residues 1990-2010): TEPPDSQGEP[Ser2000Arg]KPQASGYAPK

ClinVar aggregate classification (germline): Uncertain significance. Review status: criteria provided, multiple submitters, no conflicts (2 of 4 stars). 3 submissions from 3 submitters: Uncertain significance (3). Last evaluated 2024-11-07.

Conditions:
Familial adenomatous polyposis 1 (FAP1). Also called: POLYPOSIS, ADENOMATOUS INTESTINAL; FAMILIAL ADENOMATOUS POLYPOSIS 1, ATTENUATED. Identifiers: MedGen C2713442, MONDO:0021056, OMIM 175100. Disease mechanism: loss of function.
Hereditary cancer-predisposing syndrome. Also called: Hereditary neoplastic syndrome; Neoplastic Syndromes, Hereditary; Tumor predisposition; Hereditary Cancer Syndrome. Identifiers: Orphanet 140162, MedGen C0027672, MeSH D009386, MONDO:0015356.

Allele frequency attached by ClinVar (database versions not stated): ExAC 0.00001; gnomAD exomes 0.00001.
gnomAD v4.1: 3 of 1,613,838 alleles (0.00019%); highest among the groups gnomAD compares: South Asian, 0.0033%; no homozygotes.

Submissions (3):

Quest Diagnostics Nichols Institute San Juan Capistrano
Classification: Uncertain significance. Last evaluated: 2024-11-07. Review status: criteria provided, single submitter. Criteria: Quest Diagnostics criteria. Collection method: clinical testing. Allele origin: unknown.
Comment: The APC c.5998A>C (p.Ser2000Arg) variant has not been reported in individuals with APC-related conditions in the published literature. The frequency of this variant in the general population, 0.000008 (2/250036 chromosomes (Genome Aggregation Database)), is uninformative in the assessment of its pathogenicity. Analysis of this variant using bioinformatics tools for the prediction of the effect of amino acid changes on protein structure and function yielded predictions that this variant is benign. Based on the available information, we are unable to determine the clinical significance of this variant.

Labcorp Genetics (formerly Invitae), Labcorp
Classification: Uncertain significance for Familial adenomatous polyposis 1. Last evaluated: 2024-04-05. Review status: criteria provided, single submitter. Criteria: Invitae Variant Classification Sherloc (09022015). Collection method: clinical testing. Allele origin: germline.
Comment: This sequence change replaces serine, which is neutral and polar, with arginine, which is basic and polar, at codon 2000 of the APC protein (p.Ser2000Arg). This variant is present in population databases (rs587782271, gnomAD 0.003%). This variant has not been reported in the literature in individuals affected with APC-related conditions. ClinVar contains an entry for this variant (Variation ID: 470030). Advanced modeling of protein sequence and biophysical properties (such as structural, functional, and spatial information, amino acid conservation, physicochemical variation, residue mobility, and thermodynamic stability) performed at Invitae indicates that this missense variant is not expected to disrupt APC protein function with a negative predictive value of 95%. In summary, the available evidence is currently insufficient to determine the role of this variant in disease. Therefore, it has been classified as a Variant of Uncertain Significance.

Ambry Genetics
Classification: Uncertain significance for Hereditary cancer-predisposing syndrome. Last evaluated: 2023-10-05. Review status: criteria provided, single submitter. Criteria: Ambry Variant Classification Scheme 2023. Collection method: clinical testing. Allele origin: germline.
Comment: The p.S2000R variant (also known as c.5998A>C), located in coding exon 15 of the APC gene, results from an A to C substitution at nucleotide position 5998. The serine at codon 2000 is replaced by arginine, an amino acid with dissimilar properties. This amino acid position is not well conserved in available vertebrate species. In addition, in silico predictors for this gene do not accurately predict pathogenicity. Since supporting evidence is limited at this time, the clinical significance of this alteration remains unclear.